The following is an entry in ClinVar:

NM_001109878.2(TBX22):c.394T>C (p.Leu132=)

Gene: TBX22 (T-box transcription factor 22). Cytogenetic location: Xq21.1.
Variant type: single nucleotide variant.
Coding change: c.394T>C on transcript NM_001109878.2 (MANE Select); coding-DNA position 394, T replaced by C.
Protein change: p.Leu132=; no amino-acid change (leucine 132 retained).
Molecular consequence: synonymous variant.
Genome position (GRCh38, 1-based): chrX:80,024,100, T>C. VCF-style: chrX-80024100-T-C. GRCh37 (hg19) VCF-style: chrX-79279599-T-C.
Other names: c.34T>C, p.Leu12= (NM_001109879.2, NM_001303475.1); c.394T>C, p.Leu132= (NM_016954.2).
Identifiers: ClinVar variation 3053364 (VCV003053364.2), dbSNP rs761214500, ClinGen allele CA10461226.
Genomic context (GRCh38, chrX:80,024,100, plus strand): 5'-AGTCCTTATTTTCTTTCTTACAGGCGGATGTTCCCCTCTGTTCGGGTCAAGGTGAAAGGG[T>C]TGGATCCAGGGAAGCAGTACCATGTGGCCATCGATGTGGTGCCGGTGGATTCCAAACGCT-3'
Protein context (NP_001103348.1, residues 122-142): FPSVRVKVKG[Leu132=]DPGKQYHVAI

ClinVar aggregate classification (germline): Likely benign (0 of 4 stars; one submission).

Conditions:
TBX22-related disorder. Also called: TBX22-related condition.

Allele frequency attached by ClinVar (database versions not stated): ExAC 0.00001; gnomAD exomes 0.00001.
gnomAD v4.1: 13 of 1,211,481 alleles (0.0011%); highest among the groups gnomAD compares: Non-Finnish European, 0.0013%; no homozygotes.

Submission:

PreventionGenetics, part of Exact Sciences
Classification: Likely benign for TBX22-related condition. Last evaluated: 2023-01-12. Review status: no assertion criteria provided. Collection method: clinical testing. Allele origin: germline.
Comment: This variant is classified as likely benign based on ACMG/AMP sequence variant interpretation guidelines (Richards et al. 2015 PMID: 25741868, with internal and published modifications).